The following is an entry in ClinVar:

ClinVar aggregate classification (germline): Uncertain significance. Review status: criteria provided, multiple submitters, no conflicts (2 of 4 stars). 2 submissions from 2 submitters: Uncertain significance (2). Last evaluated 2025-05-16.

Conditions:
Hereditary cancer-predisposing syndrome. Also called: Hereditary Cancer Syndrome; Tumor predisposition; Hereditary neoplastic syndrome; Neoplastic Syndromes, Hereditary. Identifiers: Orphanet 140162, MedGen C0027672, MeSH D009386, MONDO:0015356.

Submissions (2):

Ambry Genetics
Classification: Uncertain significance for Hereditary cancer-predisposing syndrome. Last evaluated: 2025-05-16. Review status: criteria provided, single submitter. Criteria: Ambry Variant Classification Scheme 2023. Collection method: clinical testing. Allele origin: germline.
Comment: The p.A2043T variant (also known as c.6127G>A), located in coding exon 44 of the POLE gene, results from a G to A substitution at nucleotide position 6127. The alanine at codon 2043 is replaced by threonine, an amino acid with similar properties. This amino acid position is conserved. In addition, this alteration is predicted to be tolerated by in silico analysis. Based on the available evidence, the clinical significance of this variant remains unclear.

Labcorp Genetics (formerly Invitae), Labcorp
Classification: Uncertain significance. Last evaluated: 2024-11-25. Review status: criteria provided, single submitter. Criteria: Invitae Variant Classification Sherloc (09022015). Collection method: clinical testing. Allele origin: germline.
Comment: This sequence change replaces alanine, which is neutral and non-polar, with threonine, which is neutral and polar, at codon 2043 of the POLE protein (p.Ala2043Thr). This variant is not present in population databases (gnomAD no frequency). This variant has not been reported in the literature in individuals affected with POLE-related conditions. ClinVar contains an entry for this variant (Variation ID: 1043101). Invitae Evidence Modeling of protein sequence and biophysical properties (such as structural, functional, and spatial information, amino acid conservation, physicochemical variation, residue mobility, and thermodynamic stability) indicates that this missense variant is not expected to disrupt POLE protein function with a negative predictive value of 80%. In summary, the available evidence is currently insufficient to determine the role of this variant in disease. Therefore, it has been classified as a Variant of Uncertain Significance.

NM_006231.4(POLE):c.6127G>A (p.Ala2043Thr)

Gene: POLE (DNA polymerase epsilon, catalytic subunit; minus strand). Cytogenetic location: 12q24.33.
Variant type: single nucleotide variant.
Coding change: c.6127G>A on transcript NM_006231.4 (MANE Select); coding-DNA position 6127, G replaced by A.
Protein change: p.Ala2043Thr; replaces alanine 2043 with threonine.
Molecular consequence: missense variant.
Genome position (GRCh38, 1-based): chr12:132,632,673, C>T on the plus strand (G>A on the coding strand, the complement: POLE is on the minus strand). VCF-style: chr12-132632673-C-T. GRCh37 (hg19) VCF-style: chr12-133209259-C-T.
Other names: c.6127G>A (NM_006231.2); short protein forms A2043T.
Identifiers: ClinVar variation 1043101 (VCV001043101.9), dbSNP rs2041957823, ClinGen allele CA387370248.